The following is an entry in ClinVar:

NM_017514.5(PLXNA3):c.4216C>T (p.Arg1406Cys)

Gene: PLXNA3 (plexin A3; plus strand). Cytogenetic location: Xq28.
Variant type: single nucleotide variant.
Coding change: c.4216C>T on transcript NM_017514.5 (MANE Select); coding-DNA position 4216, C replaced by T.
Protein change: p.Arg1406Cys; replaces arginine 1406 with cysteine.
Molecular consequence: missense variant.
Genome position (GRCh38, 1-based): chrX:154,468,555, C>T. VCF-style: chrX-154468555-C-T. GRCh37 (hg19) VCF-style: chrX-153696898-C-T.
Other names: short protein forms R1406C.
Identifiers: ClinVar variation 5000660 (VCV005000660.1).

ClinVar aggregate classification (germline): Uncertain significance (1 of 4 stars; one submission).

Conditions:
PLXNA3-related disorder. Also called: PLXNA3-related condition.

Submission:

PreventionGenetics, part of Exact Sciences
Classification: Uncertain significance for PLXNA3-related condition. Last evaluated: 2024-11-27. Review status: criteria provided, single submitter. Criteria: ACMG Guidelines, 2015. Collection method: clinical testing. Allele origin: germline.
Comment: The PLXNA3 c.4216C>T variant is predicted to result in the amino acid substitution p.Arg1406Cys. To our knowledge, this variant has not been reported in the literature or in a large population database (gnomAD), indicating this variant is rare. At this time, the clinical significance of this variant is uncertain due to the absence of conclusive functional and genetic evidence.